The following is an entry in ClinVar:

NM_000264.5(PTCH1):c.2582del (p.Ser861fs)

Gene: PTCH1 (patched 1; minus strand). Cytogenetic location: 9q22.32.
Variant type: Deletion.
Coding change: c.2582del on transcript NM_000264.5 (MANE Select); coding-DNA position 2582, one base deleted (G; older notation c.2582delG).
Protein change: p.Ser861fs; shifts the reading frame from serine 861.
Molecular consequence: frameshift variant. On other transcripts: non-coding transcript variant (1).
Genome position (GRCh38, 1-based): chr9:95,461,977, C deleted on the plus strand (G on the coding strand, the reverse complement: PTCH1 is on the minus strand). VCF-style (leftmost placement, unchanged base first): chr9-95461976-AC-A. GRCh37 (hg19) VCF-style: chr9-98224258-AC-A.
Other names: c.2384del, p.Ser795fs (NM_001083602.3); c.2579del, p.Ser860fs (NM_001083603.3); c.2129del, p.Ser710fs (NM_001083604.3, NM_001083605.3, NM_001083606.3 and 1 more transcripts); c.2426del, p.Ser809fs (NM_001354918.2); short protein forms S710fs, S795fs, S809fs, S860fs, S861fs.
Identifiers: ClinVar variation 1074460 (VCV001074460.9), dbSNP rs2136689543, ClinGen allele CA2499220037.

ClinVar aggregate classification (germline): Pathogenic (1 of 4 stars; one submission).

Conditions:
Gorlin syndrome. Also called: Basal cell nevus syndrome; Nevoid Basal Cell Carcinoma Syndrome. Identifiers: Orphanet 377, MedGen C0004779, MONDO:0007187.

Submission:

Labcorp Genetics (formerly Invitae), Labcorp
Classification: Pathogenic for Gorlin syndrome. Last evaluated: 2020-10-09. Review status: criteria provided, single submitter. Criteria: Invitae Variant Classification Sherloc (09022015). Collection method: clinical testing. Allele origin: germline.
Comment: For these reasons, this variant has been classified as Pathogenic. Loss-of-function variants in PTCH1 are known to be pathogenic (PMID: 16301862, 16419085). This variant has been observed in individual(s) with Gorlin syndrome (PMID: 11387302). This variant is not present in population databases (ExAC no frequency). This sequence change creates a premature translational stop signal (p.Ser861Metfs*42) in the PTCH1 gene. It is expected to result in an absent or disrupted protein product.

Literature cited by the submitters: PubMed 16301862; PubMed 16419085; PubMed 11387302.